The following is an entry in ClinVar:

NM_003482.4(KMT2D):c.11459C>A (p.Pro3820His)

Gene: KMT2D (lysine methyltransferase 2D; minus strand). Cytogenetic location: 12q13.12.
Variant type: single nucleotide variant.
Coding change: c.11459C>A on transcript NM_003482.4 (MANE Select); coding-DNA position 11459, C replaced by A.
Protein change: p.Pro3820His; replaces proline 3820 with histidine.
Molecular consequence: missense variant.
Genome position (GRCh38, 1-based): chr12:49,033,246, G>T on the plus strand (C>A on the coding strand, the complement: KMT2D is on the minus strand). VCF-style: chr12-49033246-G-T. GRCh37 (hg19) VCF-style: chr12-49427029-G-T.
Other names: short protein forms P3820H.
Identifiers: ClinVar variation 2102098 (VCV002102098.4), dbSNP rs1259806161, ClinGen allele CA384718579.

ClinVar aggregate classification (germline): Uncertain significance (1 of 4 stars; one submission).

Conditions:
Kabuki syndrome. Also called: Kabuki make-up syndrome; NIIKAWA-KUROKI SYNDROME. Identifiers: Orphanet 2322, MedGen C0796004, MONDO:0016512.

Submission:

Labcorp Genetics (formerly Invitae), Labcorp
Classification: Uncertain significance for Kabuki syndrome. Last evaluated: 2022-02-22. Review status: criteria provided, single submitter. Criteria: Invitae Variant Classification Sherloc (09022015). Collection method: clinical testing. Allele origin: germline.
Comment: This variant is not present in population databases (gnomAD no frequency). This sequence change replaces proline, which is neutral and non-polar, with histidine, which is basic and polar, at codon 3820 of the KMT2D protein (p.Pro3820His). This variant has not been reported in the literature in individuals affected with KMT2D-related conditions. Advanced modeling of protein sequence and biophysical properties (such as structural, functional, and spatial information, amino acid conservation, physicochemical variation, residue mobility, and thermodynamic stability) performed at Invitae indicates that this missense variant is not expected to disrupt KMT2D protein function. In summary, the available evidence is currently insufficient to determine the role of this variant in disease. Therefore, it has been classified as a Variant of Uncertain Significance.